The following is an entry in ClinVar:

ClinVar aggregate classification (germline): Likely benign. Review status: criteria provided, multiple submitters, no conflicts (2 of 4 stars). 2 submissions from 2 submitters: Likely benign (2). Last evaluated 2024-08-29.

Conditions:
Pitt-Hopkins-like syndrome 2 (PTHSL2). Identifiers: Orphanet 221150, Orphanet 600663, MedGen C3280479, MONDO:0013690, OMIM 614325.

Submissions (2):

Labcorp Genetics (formerly Invitae), Labcorp
Classification: Likely benign for Pitt-Hopkins-like syndrome 2. Last evaluated: 2024-08-29. Review status: criteria provided, single submitter. Criteria: Invitae Variant Classification Sherloc (09022015). Collection method: clinical testing. Allele origin: germline.

GeneDx
Classification: Likely benign. Last evaluated: 2017-03-06. Review status: criteria provided, single submitter. Criteria: GeneDx Variant Classification (06012015). Collection method: clinical testing. Allele origin: germline. Affected: yes.
Comment: This variant is considered likely benign or benign based on one or more of the following criteria: it is a conservative change, it occurs at a poorly conserved position in the protein, it is predicted to be benign by multiple in silico algorithms, and/or has population frequency not consistent with disease.

NM_001330078.2(NRXN1):c.3198C>T (p.Ile1066=)

Gene: NRXN1 (neurexin 1; minus strand). Cytogenetic location: 2p16.3.
Variant type: single nucleotide variant.
Coding change: c.3198C>T on transcript NM_001330078.2 (MANE Select); coding-DNA position 3198, C replaced by T.
Protein change: p.Ile1066=; no amino-acid change (isoleucine 1066 retained).
Molecular consequence: synonymous variant.
Genome position (GRCh38, 1-based): chr2:50,472,344, G>A on the plus strand (C>T on the coding strand, the complement: NRXN1 is on the minus strand). VCF-style: chr2-50472344-G-A. GRCh37 (hg19) VCF-style: chr2-50699482-G-A.
Other names: c.3318C>T, p.Ile1106= (NM_001135659.3); c.3174C>T, p.Ile1058= (NM_001330077.2, NM_001330082.2); c.3132C>T, p.Ile1044= (NM_001330083.2, NM_001330084.2); c.3171C>T, p.Ile1057= (NM_001330085.2); c.3198C>T, p.Ile1066= (NM_001330086.2, NM_004801.6); c.3087C>T, p.Ile1029= (NM_001330087.2, NM_001330096.2); c.3117C>T, p.Ile1039= (NM_001330088.2); c.3195C>T, p.Ile1065= (NM_001330093.2); and 2 more.
Identifiers: ClinVar variation 507856 (VCV000507856.9), dbSNP rs1553656308, ClinGen allele CA426022830.
Genomic context (GRCh38, chr2:50,472,344, plus strand): 5'-CAAAAATCTAATACCTTCACATCCTCTCTCGATCTGTCCGTTGCAGAAAAGAGCATCGGA[G>A]ATGAGGTCCGGAAGCCGTCCATTTAAATCAACTGATGCCAGGCAGCCTTGAAAGCCTTCT-3'
Protein context (NP_001317007.1, residues 1056-1076): VDLNGRLPDL[Ile1066=]SDALFCNGQI